The following is an entry in ClinVar:

ClinVar aggregate classification (germline): Pathogenic/Likely pathogenic. Review status: criteria provided, multiple submitters, no conflicts (2 of 4 stars). 2 submissions from 2 submitters: Pathogenic (1); Likely pathogenic (1). Last evaluated 2024-05-06.

Conditions:
Carnitine palmitoyl transferase 1A deficiency. Also called: Carnitine palmitoyltransferase 1A deficiency; CPT deficiency, hepatic, type IA; CPT I DEFICIENCY; CPT DEFICIENCY, HEPATIC, TYPE I; Carnitine palmitoyltransferase type I deficiency. Identifiers: Orphanet 156, MedGen C1829703, MONDO:0009705, OMIM 255120.

Submissions (2):

Natera, Inc.
Classification: Likely pathogenic for Carnitine palmitoyltransferase type I deficiency. Last evaluated: 2024-05-06. Review status: criteria provided, single submitter. Criteria: Natera Variant Classification Schema (03/2026). Collection method: clinical testing. Allele origin: germline.
Comment: The c.657G>A variant in CPT1A is a nonsense variant predicted to introduce a stop codon at amino acid 219. This variant is expected to result in nonsense mediated decay, truncation, or a dysfunctional protein product. This variant is rare in the general population with a frequency below the threshold expected for the associated phenotype(s). Given the available evidence, this variant is classified as Likely Pathogenic.

Labcorp Genetics (formerly Invitae), Labcorp
Classification: Pathogenic for Carnitine palmitoyl transferase 1A deficiency. Last evaluated: 2022-01-06. Review status: criteria provided, single submitter. Criteria: Invitae Variant Classification Sherloc (09022015). Collection method: clinical testing. Allele origin: germline.
Comment: For these reasons, this variant has been classified as Pathogenic. This variant has not been reported in the literature in individuals affected with CPT1A-related conditions. This variant is not present in population databases (gnomAD no frequency). This sequence change creates a premature translational stop signal (p.Trp219*) in the CPT1A gene. It is expected to result in an absent or disrupted protein product. Loss-of-function variants in CPT1A are known to be pathogenic (PMID: 16169268).

Literature cited by the submitters: PubMed 16169268 (cited by Labcorp Genetics (formerly Invitae), Labcorp).

NM_001876.4(CPT1A):c.657G>A (p.Trp219Ter)

Gene: CPT1A (carnitine palmitoyltransferase 1A; minus strand). Cytogenetic location: 11q13.3.
Variant type: single nucleotide variant.
Coding change: c.657G>A on transcript NM_001876.4 (MANE Select); coding-DNA position 657, G replaced by A.
Protein change: p.Trp219Ter; replaces tryptophan 219 with a stop codon.
Molecular consequence: nonsense.
Genome position (GRCh38, 1-based): chr11:68,799,254, C>T on the plus strand (G>A on the coding strand, the complement: CPT1A is on the minus strand). VCF-style: chr11-68799254-C-T. GRCh37 (hg19) VCF-style: chr11-68566722-C-T.
Other names: c.657G>A (NM_001876.3); c.657G>A, p.Trp219Ter (NM_001031847.3); short protein forms W219*.
Identifiers: ClinVar variation 2076385 (VCV002076385.5), dbSNP rs2154000189, ClinGen allele CA381635254.
Genomic context (GRCh38, chr11:68,799,254, plus strand): 5'-GAAAAACTGTGTATACAGACTTACGTAATTTGTAGCCCACCAGGATTTTAACTTCAAATA[C>T]CACTGTAATCTTGGTCCAAGACCGACAGCAAAATCTTGAGCAAGTGCTGTCATCCGTTTG-3'